The following is an entry in ClinVar:

NM_007294.4(BRCA1):c.3889T>C (p.Ser1297Pro)

Genes: BRCA1 (BRCA1 DNA repair associated; minus strand), LOC126862571 (BRD4-independent group 4 enhancer GRCh37_chr17:41243136-41244335; plus strand). Cytogenetic location: 17q21.31.
Variant type: single nucleotide variant.
Coding change: c.3889T>C on transcript NM_007294.4 (MANE Select); coding-DNA position 3889, T replaced by C.
Protein change: p.Ser1297Pro; replaces serine 1297 with proline.
Molecular consequence: missense variant. On other transcripts: intron variant (135).
Genome position (GRCh38, 1-based): chr17:43,091,642, A>G on the plus strand (T>C on the coding strand, the complement: BRCA1 is on the minus strand). VCF-style: chr17-43091642-A-G. GRCh37 (hg19) VCF-style: chr17-41243659-A-G.
Other names: c.3556T>C, p.Ser1186Pro (NM_001407950.1, NM_001407951.1, NM_001407953.1 and 6 more transcripts); c.3745T>C, p.Ser1249Pro (NM_001407844.1, NM_001407845.1, NM_001407849.1 and 20 more transcripts); c.3553T>C, p.Ser1185Pro (NM_001407956.1, NM_001407954.1, NM_001407955.1 and 1 more transcripts); c.3676T>C, p.Ser1226Pro (NM_001407571.1, NM_001407915.1, NM_001407916.1 and 9 more transcripts); c.3889T>C, p.Ser1297Pro (NM_001407581.1, NM_001407582.1, NM_001407583.1 and 30 more transcripts); c.3886T>C, p.Ser1296Pro (NM_001407587.1, NM_001407590.1, NM_001407591.1 and 22 more transcripts); c.3880T>C, p.Ser1294Pro (NM_001407646.1, NM_001407647.1); c.3766T>C, p.Ser1256Pro (NM_001407648.1, NM_001407664.1, NM_001407665.1 and 19 more transcripts); and 41 more; short protein forms S1297P, S1250P, S1001P, S1208P, S1226P, S1227P, S1249P, S1255P.
Identifiers: ClinVar variation 479231 (VCV000479231.18), dbSNP rs1450793674, ClinGen allele CA10594183.
Genomic context (GRCh38, chr17:43,091,642, plus strand): 5'-AGAAAGGATCCTGGGTGTTTGTATTTGCAGTCAAGTCTTCCAATTCACTGCACTGTGAAG[A>G]AAACAAGCTAGCAGAACATTTTGTTTCCTCACTAAGGTGATGTTCCTGAGATGCCTTTGC-3'
Protein context (NP_009225.1, residues 1287-1307): EETKCSASLF[Ser1297Pro]SQCSELEDLT

ClinVar aggregate classification (germline): Conflicting classifications of pathogenicity. Review status: criteria provided, conflicting classifications (1 of 4 stars). 6 submissions from 6 submitters: Uncertain significance (5); Likely benign (1). Last evaluated 2025-07-24.

Conditions:
Hereditary cancer-predisposing syndrome. Also called: Neoplastic Syndromes, Hereditary; Hereditary Cancer Syndrome; Hereditary neoplastic syndrome; Tumor predisposition. Identifiers: Orphanet 140162, MedGen C0027672, MeSH D009386, MONDO:0015356.
Hereditary breast ovarian cancer syndrome. Also called: Hereditary breast and ovarian cancer syndrome (HBOC); Hereditary breast and ovarian cancer syndrome; Breast and ovarian cancer; BRCA1- and BRCA2-Associated Hereditary Breast and Ovarian Cancer; Hereditary breast and ovarian cancer; Hereditary breast and/or ovarian cancer syndrome. Identifiers: Orphanet 145, MedGen C0677776, MeSH D061325, MONDO:0003582. Disease mechanism: loss of function.
BRCA1-related cancer predisposition. Identifiers: MedGen CN377757, MONDO:0700268.

Submissions (6):

Labcorp Genetics (formerly Invitae), Labcorp
Classification: Uncertain significance for Hereditary breast ovarian cancer syndrome. Last evaluated: 2025-07-24. Review status: criteria provided, single submitter. Criteria: Invitae Variant Classification Sherloc (09022015). Collection method: clinical testing. Allele origin: germline.
Comment: This sequence change replaces serine, which is neutral and polar, with proline, which is neutral and non-polar, at codon 1297 of the BRCA1 protein (p.Ser1297Pro). This variant is present in population databases (no rsID available, gnomAD 0.0009%). This missense change has been observed in individual(s) with breast and/or ovarian cancer (PMID: 12938098). ClinVar contains an entry for this variant (Variation ID: 479231). Invitae Evidence Modeling of protein sequence and biophysical properties (such as structural, functional, and spatial information, amino acid conservation, physicochemical variation, residue mobility, and thermodynamic stability) indicates that this missense variant is expected to disrupt BRCA1 protein function with a positive predictive value of 80%. In summary, the available evidence is currently insufficient to determine the role of this variant in disease. Therefore, it has been classified as a Variant of Uncertain Significance.

Ambry Genetics
Classification: Uncertain significance for Hereditary cancer-predisposing syndrome. Last evaluated: 2024-12-20. Review status: criteria provided, single submitter. Criteria: Ambry Variant Classification Scheme 2023. Collection method: clinical testing. Allele origin: germline.
Comment: The p.S1297P variant (also known as c.3889T>C), located in coding exon 9 of the BRCA1 gene, results from a T to C substitution at nucleotide position 3889. The serine at codon 1297 is replaced by proline, an amino acid with similar properties. In one study, this variant was detected in a German breast cancer kindred in conjunction with a pathogenic BRCA1 mutation (Meyer P et al. Hum Mutat. 2003 Sep;22(3):259). Of note, this alteration is also known as c.4008C>T in published literature. This amino acid position is highly conserved in available vertebrate species. In addition, this alteration is predicted to be deleterious by in silico analysis. Based on the available evidence, the clinical significance of this variant remains unclear.

All of Us Research Program, National Institutes of Health
Classification: Uncertain significance for BRCA1-related cancer predisposition. Last evaluated: 2024-09-17. Review status: criteria provided, single submitter. Criteria: ACMG Guidelines, 2015. Collection method: clinical testing. Allele origin: germline. Inheritance: Autosomal dominant inheritance. Observed: 2 variant alleles, 2 heterozygotes.
Comment: This study involves interpretation of variants in research participants for the purpose of population health screening. Participant phenotype was not available at the time of variant classification. Additional details can be found in publication PMID: 35346344, PMCID: PMC8962531

Clinical Genetics Laboratory, Skane University Hospital Lund
Classification: Uncertain significance. Last evaluated: 2023-10-24. Review status: criteria provided, single submitter. Criteria: ACMG Guidelines, 2015. Collection method: clinical testing. Allele origin: germline. Affected: yes.

University of Washington Department of Laboratory Medicine, University of Washington
Classification: Likely benign for Hereditary cancer-predisposing syndrome. Last evaluated: 2023-03-23. Review status: criteria provided, single submitter. Criteria: Dines et al. (Genet Med. 2020). Collection method: curation. Allele origin: germline.
Comment: Missense variant in a coldspot region where missense variants are very unlikely to be pathogenic (PMID:31911673).

BRCA1 coldspot (exon 11 using historical exon numbering). Reclassification based on statistical prior probability

GeneDx
Classification: Uncertain significance. Last evaluated: 2022-09-13. Review status: criteria provided, single submitter. Criteria: GeneDx Variant Classification Process June 2021. Collection method: clinical testing. Allele origin: germline. Affected: yes.
Comment: In silico analysis supports that this missense variant does not alter protein structure/function; Not observed at significant frequency in large population cohorts (gnomAD); Observed in individuals with a personal and/or family history of breast cancer referred for genetic testing at GeneDx and in published literature (Meyer et al., 2003); however, these individuals also had another pathogenic BRCA1 variant; Also known as 4008T>C; This variant is associated with the following publications: (PMID: 31853058, 32377563, 29884841, 12938098, 15343273, 22737296)

Literature cited by the submitters: PubMed 12938098 (cited by Labcorp Genetics (formerly Invitae), Labcorp).